The following is an entry in ClinVar:

NM_000138.5(FBN1):c.928A>C (p.Ser310Arg)

Gene: FBN1 (fibrillin 1; minus strand). Cytogenetic location: 15q21.1.
Variant type: single nucleotide variant.
Coding change: c.928A>C on transcript NM_000138.5 (MANE Select); coding-DNA position 928, A replaced by C.
Protein change: p.Ser310Arg; replaces serine 310 with arginine.
Molecular consequence: missense variant.
Genome position (GRCh38, 1-based): chr15:48,526,190, T>G on the plus strand (A>C on the coding strand, the complement: FBN1 is on the minus strand). VCF-style: chr15-48526190-T-G. GRCh37 (hg19) VCF-style: chr15-48818387-T-G.
Other names: c.928A>C, p.Ser310Arg (NM_001406716.1); short protein forms S310R.
Identifiers: ClinVar variation 2159797 (VCV002159797.2), dbSNP rs1215867426, ClinGen allele CA392350061.

ClinVar aggregate classification (germline): Uncertain significance (1 of 4 stars; one submission).

Conditions:
Familial thoracic aortic aneurysm and aortic dissection (TAAD). Also called: Thoracic aortic aneurysms and dissections. Identifiers: Orphanet 91387, MedGen C4707243, MONDO:0019625.
Marfan syndrome (MFS). Also called: MARFAN SYNDROME, TYPE I; Marfan syndrome type 1; Marfan's syndrome; Marfan syndrome, classic; FBN1-Related Marfan Syndrome. Identifiers: Orphanet 284963, Orphanet 558, MedGen C0024796, MONDO:0007947, OMIM 154700.

Allele frequency attached by ClinVar (database versions not stated): TOPMed below 0.00001; gnomAD 0.00001; gnomAD exomes 0.00001.
gnomAD v4.1: 7 of 1,614,048 alleles (0.00043%); highest among the groups gnomAD compares: Admixed American, 0.012%; no homozygotes.

Submission:

Labcorp Genetics (formerly Invitae), Labcorp
Classification: Uncertain significance for Marfan syndrome; Familial thoracic aortic aneurysm and aortic dissection. Last evaluated: 2025-09-01. Review status: criteria provided, single submitter. Criteria: Invitae Variant Classification Sherloc (09022015). Collection method: clinical testing. Allele origin: germline.
Comment: This sequence change replaces serine, which is neutral and polar, with arginine, which is basic and polar, at codon 310 of the FBN1 protein (p.Ser310Arg). This variant is present in population databases (no rsID available, gnomAD 0.009%). This variant has not been reported in the literature in individuals affected with FBN1-related conditions. ClinVar contains an entry for this variant (Variation ID: 2159797). Invitae Evidence Modeling of protein sequence and biophysical properties (such as structural, functional, and spatial information, amino acid conservation, physicochemical variation, residue mobility, and thermodynamic stability) indicates that this missense variant is expected to disrupt FBN1 protein function with a positive predictive value of 95%. In summary, the available evidence is currently insufficient to determine the role of this variant in disease. Therefore, it has been classified as a Variant of Uncertain Significance.